The following is an entry in ClinVar:

ClinVar aggregate classification (germline): Uncertain significance (1 of 4 stars; one submission).

Submission:

GeneDx
Classification: Uncertain significance. Last evaluated: 2023-02-05. Review status: criteria provided, single submitter. Criteria: GeneDx Variant Classification Process June 2021. Collection method: clinical testing. Allele origin: germline. Affected: yes.
Comment: Not observed at significant frequency in large population cohorts (gnomAD); In silico analysis supports that this missense variant has a deleterious effect on protein structure/function; Has not been previously published as pathogenic or benign to our knowledge

NM_006922.4(SCN3A):c.3559G>C (p.Gly1187Arg)

Gene: SCN3A (sodium voltage-gated channel alpha subunit 3; minus strand). Cytogenetic location: 2q24.3.
Variant type: single nucleotide variant.
Coding change: c.3559G>C on transcript NM_006922.4 (MANE Select); coding-DNA position 3559, G replaced by C.
Protein change: p.Gly1187Arg; replaces glycine 1187 with arginine.
Molecular consequence: missense variant.
Genome position (GRCh38, 1-based): chr2:165,113,926, C>G on the plus strand (G>C on the coding strand, the complement: SCN3A is on the minus strand). VCF-style: chr2-165113926-C-G. GRCh37 (hg19) VCF-style: chr2-165970436-C-G.
Other names: c.3412G>C, p.Gly1138Arg (NM_001081676.2, NM_001081677.2); short protein forms G1138R, G1187R.
Identifiers: ClinVar variation 2574964 (VCV002574964.1), dbSNP rs1163961829, ClinGen allele CA349034008.